The following is an entry in ClinVar:

NM_003126.4(SPTA1):c.5433-132G>A

Gene: SPTA1 (spectrin alpha, erythrocytic 1; minus strand). Cytogenetic location: 1q23.1.
Variant type: single nucleotide variant.
Coding change: c.5433-132G>A on transcript NM_003126.4 (MANE Select); 132 bases into the intron before coding-DNA position 5433, G replaced by A.
Molecular consequence: intron variant.
Genome position (GRCh38, 1-based): chr1:158,634,807, C>T on the plus strand (G>A on the coding strand, the complement: SPTA1 is on the minus strand). VCF-style: chr1-158634807-C-T. GRCh37 (hg19) VCF-style: chr1-158604597-C-T.
Identifiers: ClinVar variation 931604 (VCV000931604.3), dbSNP rs1650943500, ClinGen allele CA1139656367.

ClinVar aggregate classification (germline): Uncertain significance (1 of 4 stars; one submission).

Conditions:
Hereditary spherocytosis type 3. Also called: Spherocytosis type 3; SPTA1-Related Spherocytosis. Identifiers: Orphanet 822, MedGen C2678338, MONDO:0010053, OMIM 270970.

gnomAD v4.1: 2 of 1,018,020 alleles (0.0002%); highest among the groups gnomAD compares: Non-Finnish European, 0.0003%; no homozygotes.

Submission:

Centre for Mendelian Genomics, University Medical Centre Ljubljana
Classification: Uncertain significance for Hereditary spherocytosis type 3. Last evaluated: 2019-09-04. Review status: criteria provided, single submitter. Criteria: ACMG Guidelines, 2015. Collection method: clinical testing. Allele origin: unknown. Affected: yes.
Comment: This variant was classified as: Uncertain significance. The available evidence on this variant's pathogenicity is insufficient or conflicting. The following ACMG criteria were applied in classifying this variant: PM2.